The following is an entry in ClinVar:

ClinVar aggregate classification (germline): Benign. Review status: criteria provided, multiple submitters, no conflicts (2 of 4 stars). 2 submissions from 2 submitters: Benign (2). Last evaluated 2018-01-13.

Conditions:
Amelogenesis imperfecta (AI). Also called: Congenital enamel hypoplasia. Identifiers: Orphanet 88661, MedGen C0002452, MONDO:0019507, HP:0000705.

Allele frequency attached by ClinVar (database versions not stated): gnomAD 0.12574 and 0.13105; TOPMed 0.13747; 1000 Genomes Project 0.13858; 1000 Genomes Project 30x 0.14163.
gnomAD v4.1: 35,027 of 466,610 alleles (7.5%); highest among the groups gnomAD compares: African/African-American, 32%; 3,369 homozygotes.

Submissions (2):

Illumina Laboratory Services, Illumina
Classification: Benign for Amelogenesis imperfecta. Last evaluated: 2018-01-13. Review status: criteria provided, single submitter. Criteria: ICSL Variant Classification Criteria 13 December 2019. Collection method: clinical testing. Allele origin: germline.
Comment: This variant was observed in the ICSL laboratory as part of a predisposition screen in an ostensibly healthy population. It had not been previously curated by ICSL or reported in the Human Gene Mutation Database (HGMD: prior to June 1st, 2018), and was therefore a candidate for classification through an automated scoring system. Utilizing variant allele frequency, disease prevalence and penetrance estimates, and inheritance mode, an automated score was calculated to assess if this variant is too frequent to cause the disease. Based on the score and internal cut-off values, a variant classified as benign is not then subjected to further curation. The score for this variant resulted in a classification of benign for this disease.

Breakthrough Genomics
Classification: Benign. Review status: criteria provided, single submitter. Criteria: ACMG Guidelines, 2015. Collection method: not provided. Allele origin: germline. Inheritance: Autosomal recessive inheritance. Affected: yes.

NM_031889.3(ENAM):c.*342T>C

Gene: ENAM (enamelin; plus strand). Cytogenetic location: 4q13.3.
Variant type: single nucleotide variant.
Coding change: c.*342T>C on transcript NM_031889.3 (MANE Select); 342 bases downstream of the stop codon, T replaced by C.
Molecular consequence: 3 prime UTR variant.
Genome position (GRCh38, 1-based): chr4:70,645,197, T>C. VCF-style: chr4-70645197-T-C. GRCh37 (hg19) VCF-style: chr4-71510914-T-C.
Other names: c.*342T>C (NM_001368133.1).
Identifiers: ClinVar variation 349514 (VCV000349514.6), dbSNP rs7679569, ClinGen allele CA10619130.
Genomic context (GRCh38, chr4:70,645,197, plus strand): 5'-TAGTTTCCTTTTGCTTGATGACTTCTTTTGCTCTCAAAGTTCCATACTTGCAAAATTGGT[T>C]TTTCAAGACTGAAAGGCAGATTAACTTTCCATTCTACTTATGGAGATCCACACATCAGTA-3'